The following is an entry in ClinVar:

ClinVar aggregate classification (germline): Benign (1 of 4 stars; one submission).

Allele frequency attached by ClinVar (database versions not stated): 1000 Genomes Project 30x 0.02108; 1000 Genomes Project 0.02216; gnomAD 0.04140 and 0.04250; TOPMed 0.04217; gnomAD exomes 0.05450.
gnomAD v4.1: 48,435 of 925,706 alleles (5.2%); highest among the groups gnomAD compares: Middle Eastern, 8.3%; 1,592 homozygotes.

Submission:

GeneDx
Classification: Benign. Last evaluated: 2018-06-16. Review status: criteria provided, single submitter. Criteria: GeneDx Variant Classification (06012015). Collection method: clinical testing. Allele origin: germline. Affected: yes.
Comment: This variant is considered likely benign or benign based on one or more of the following criteria: it is a conservative change, it occurs at a poorly conserved position in the protein, it is predicted to be benign by multiple in silico algorithms, and/or has population frequency not consistent with disease.

NM_182961.4(SYNE1):c.23302-127G>A

Gene: SYNE1 (spectrin repeat containing nuclear envelope protein 1; minus strand). Cytogenetic location: 6q25.2.
Variant type: single nucleotide variant.
Coding change: c.23302-127G>A on transcript NM_182961.4 (MANE Select); 127 bases into the intron before coding-DNA position 23302, G replaced by A.
Molecular consequence: intron variant.
Genome position (GRCh38, 1-based): chr6:152,180,421, C>T on the plus strand (G>A on the coding strand, the complement: SYNE1 is on the minus strand). VCF-style: chr6-152180421-C-T. GRCh37 (hg19) VCF-style: chr6-152501556-C-T.
Other names: c.23089-127G>A (NM_033071.5); c.-93-127G>A (NM_001347701.2).
Identifiers: ClinVar variation 672840 (VCV000672840.1), dbSNP rs71575919, ClinGen allele CA15452521.